The following is an entry in ClinVar:

NM_003394.4(WNT10B):c.36G>A (p.Ser12=)

Gene: WNT10B (Wnt family member 10B; minus strand). Cytogenetic location: 12q13.12.
Variant type: single nucleotide variant.
Coding change: c.36G>A on transcript NM_003394.4 (MANE Select); coding-DNA position 36, G replaced by A.
Protein change: p.Ser12=; no amino-acid change (serine 12 retained).
Molecular consequence: synonymous variant.
Genome position (GRCh38, 1-based): chr12:48,970,494, C>T on the plus strand (G>A on the coding strand, the complement: WNT10B is on the minus strand). VCF-style: chr12-48970494-C-T. GRCh37 (hg19) VCF-style: chr12-49364277-C-T.
Identifiers: ClinVar variation 729024 (VCV000729024.15), dbSNP rs373412829, ClinGen allele CA6544270.
Genomic context (GRCh38, chr12:48,970,494, plus strand): 5'-GGAGACAAGGGGAACTGCTCACCGACTGCACAACGCCAGGAACAGGAGACCCGCGAGGCC[C>T]GAGGGCGGAGGCCGCGGCCGGGGCTCCTCCAGCATGTCGAAGCCCGGAGGCTCCGGTGGG-3'
Protein context (NP_003385.2, residues 2-22): LEEPRPRPPP[Ser12=]GLAGLLFLAL

ClinVar aggregate classification (germline): Benign/Likely benign. Review status: criteria provided, multiple submitters, no conflicts (2 of 4 stars). 3 submissions from 3 submitters: Benign (1); Likely benign (2). Last evaluated 2025-12-01.

Allele frequency attached by ClinVar (database versions not stated): TOPMed 0.00060; 1000 Genomes Project 30x 0.00078; 1000 Genomes Project 0.00080; gnomAD 0.00088 and 0.00090; ESP Exome Variant Server 0.00092; gnomAD exomes 0.00115 and 0.00117; ExAC 0.00155.
gnomAD v4.1: 1,825 of 1,609,200 alleles (0.11%); highest among the groups gnomAD compares: Middle Eastern, 0.15%; 6 homozygotes.

Submissions (3):

CeGaT Center for Human Genetics Tuebingen
Classification: Likely benign. Last evaluated: 2025-12-01. Review status: criteria provided, single submitter. Criteria: CeGaT Center For Human Genetics Tuebingen Variant Classification Criteria Version 2. Collection method: clinical testing. Allele origin: germline. Affected: yes. Observed: 1 variant allele.
Comment: WNT10B: BP4, BP7

Labcorp Genetics (formerly Invitae), Labcorp
Classification: Benign. Last evaluated: 2025-10-02. Review status: criteria provided, single submitter. Criteria: Invitae Variant Classification Sherloc (09022015). Collection method: clinical testing. Allele origin: germline.

Blueprint Genetics
Classification: Likely benign. Last evaluated: 2024-11-20. Review status: criteria provided, single submitter. Criteria: ACMG Guidelines, 2015. Collection method: clinical testing. Allele origin: germline.